The following is an entry in ClinVar:

NM_001365088.1(SLC12A6):c.293C>A (p.Thr98Lys)

Gene: SLC12A6 (solute carrier family 12 member 6; minus strand). Cytogenetic location: 15q14.
Variant type: single nucleotide variant.
Coding change: c.293C>A on transcript NM_001365088.1 (MANE Select); coding-DNA position 293, C replaced by A.
Protein change: p.Thr98Lys; replaces threonine 98 with lysine.
Molecular consequence: missense variant. On other transcripts: intron variant (1).
Genome position (GRCh38, 1-based): chr15:34,275,368, G>T on the plus strand (C>A on the coding strand, the complement: SLC12A6 is on the minus strand). VCF-style: chr15-34275368-G-T. GRCh37 (hg19) VCF-style: chr15-34567569-G-T.
Other names: c.116C>A, p.Thr39Lys (NM_001042494.2, NM_001042495.2); c.266C>A, p.Thr89Lys (NM_001042496.2); c.140C>A, p.Thr47Lys (NM_005135.2); c.293C>A, p.Thr98Lys (NM_133647.2); c.272-14348C>A (NM_001042497.2); short protein forms T47K, T39K, T89K, T98K.
Identifiers: ClinVar variation 1503016 (VCV001503016.8), dbSNP rs143956604, ClinGen allele CA7464627.

ClinVar aggregate classification (germline): Uncertain significance. Review status: criteria provided, multiple submitters, no conflicts (2 of 4 stars). 3 submissions from 3 submitters: Uncertain significance (3). Last evaluated 2024-12-24.

Conditions:
Inborn genetic diseases. Identifiers: MedGen C0950123, MeSH D030342.

Allele frequency attached by ClinVar (database versions not stated): ExAC 0.00006; gnomAD exomes 0.00007; gnomAD 0.00009 and 0.00010; TOPMed 0.00010; 1000 Genomes Project 30x 0.00016; 1000 Genomes Project 0.00020; ESP Exome Variant Server 0.00031.
gnomAD v4.1: 174 of 1,547,302 alleles (0.011%); highest among the groups gnomAD compares: Non-Finnish European, 0.015%; no homozygotes.

Submissions (3):

Labcorp Genetics (formerly Invitae), Labcorp
Classification: Uncertain significance. Last evaluated: 2024-12-24. Review status: criteria provided, single submitter. Criteria: Invitae Variant Classification Sherloc (09022015). Collection method: clinical testing. Allele origin: germline.
Comment: This sequence change replaces threonine, which is neutral and polar, with lysine, which is basic and polar, at codon 98 of the SLC12A6 protein (p.Thr98Lys). This variant is present in population databases (rs143956604, gnomAD 0.02%). This variant has not been reported in the literature in individuals affected with SLC12A6-related conditions. ClinVar contains an entry for this variant (Variation ID: 1503016). Invitae Evidence Modeling of protein sequence and biophysical properties (such as structural, functional, and spatial information, amino acid conservation, physicochemical variation, residue mobility, and thermodynamic stability) indicates that this missense variant is not expected to disrupt SLC12A6 protein function with a negative predictive value of 95%. In summary, the available evidence is currently insufficient to determine the role of this variant in disease. Therefore, it has been classified as a Variant of Uncertain Significance.

Women's Health and Genetics/Laboratory Corporation of America, LabCorp
Classification: Uncertain significance. Last evaluated: 2024-07-09. Review status: criteria provided, single submitter. Criteria: LabCorp Variant Classification Summary - May 2015. Collection method: clinical testing. Allele origin: germline.
Comment: Variant summary: SLC12A6 c.293C>A (p.Thr98Lys) results in a non-conservative amino acid change in the encoded protein sequence. Three of five in-silico tools predict a benign effect of the variant on protein function. The variant allele was found at a frequency of 7.2e-05 in 250456 control chromosomes. This frequency is not significantly higher than estimated for a pathogenic variant in SLC12A6 causing Andermann Syndrome (7.2e-05 vs 0.025), allowing no conclusion about variant significance. To our knowledge, no occurrence of c.293C>A in individuals affected with Andermann Syndrome and no experimental evidence demonstrating its impact on protein function have been reported. ClinVar contains an entry for this variant (Variation ID: 1503016). Based on the evidence outlined above, the variant was classified as uncertain significance.

Ambry Genetics
Classification: Uncertain significance for Inborn genetic diseases. Last evaluated: 2023-07-26. Review status: criteria provided, single submitter. Criteria: Ambry Variant Classification Scheme 2023. Collection method: clinical testing. Allele origin: germline.
Comment: The p.T98K variant (also known as c.293C>A), located in coding exon 2 of the SLC12A6 gene, results from a C to A substitution at nucleotide position 293. The threonine at codon 98 is replaced by lysine, an amino acid with similar properties. This amino acid position is conserved. In addition, the in silico prediction for this alteration is inconclusive. Since supporting evidence is limited at this time, the clinical significance of this alteration remains unclear.